The following is an entry in ClinVar:

NM_001943.5(DSG2):c.1920C>T (p.Gly640=)

Gene: DSG2 (desmoglein 2; plus strand). Cytogenetic location: 18q12.1.
Variant type: single nucleotide variant.
Coding change: c.1920C>T on transcript NM_001943.5 (MANE Select); coding-DNA position 1920, C replaced by T.
Protein change: p.Gly640=; no amino-acid change (glycine 640 retained).
Molecular consequence: synonymous variant.
Genome position (GRCh38, 1-based): chr18:31,541,233, C>T. VCF-style: chr18-31541233-C-T. GRCh37 (hg19) VCF-style: chr18-29121196-C-T.
Other names: c.1920C>T (LRG_397t1).
Identifiers: ClinVar variation 466333 (VCV000466333.27), dbSNP rs775642244, ClinGen allele CA044298.

ClinVar aggregate classification (germline): Conflicting classifications of pathogenicity. Review status: criteria provided, conflicting classifications (1 of 4 stars). 11 submissions from 11 submitters: Uncertain significance (1); Likely benign (7). 3 of the submissions do not count toward it. Last evaluated 2026-03-27.

Conditions:
Cardiovascular phenotype. Identifiers: MedGen CN230736.
Cardiomyopathy (CMYO). Also called: Cardiomyopathies. Identifiers: Orphanet 167848, MedGen C0878544, MONDO:0004994, HP:0001638. Inheritance: Various modes of inheritance.
Arrhythmogenic right ventricular cardiomyopathy (ARVD). Also called: Arrhythmogenic right ventricular dysplasia; Cardiomyopathy, ARVC; Arrhythmogenic cardiomyopathy; Arrhythmogenic Right Ventricular Cardiomyopathy (ARVC). Identifiers: Orphanet 247, MedGen C0349788, MeSH D019571, MONDO:0016587. Disease mechanism: loss of function. Inheritance: Various modes of inheritance.
Arrhythmogenic right ventricular dysplasia 10. Also called: Arrhythmogenic Right Ventricular Dysplasia/Cardiomyopathy10; ARRHYTHMOGENIC RIGHT VENTRICULAR DYSPLASIA, FAMILIAL, 10; Arrhythmogenic right ventricular dysplasia/cardiomyopathy, type 10. Identifiers: MedGen C1857777, MONDO:0012434, OMIM 610193.

Allele frequency attached by ClinVar (database versions not stated): ExAC 0.00002; gnomAD exomes 0.00003 and 0.00004; gnomAD 0.00004 and 0.00005; TOPMed 0.00008.
gnomAD v4.1: 56 of 1,613,950 alleles (0.0035%); highest among the groups gnomAD compares: Non-Finnish European, 0.0045%; no homozygotes.

Submissions (11):

Molecular Diagnostic Laboratory for Inherited Cardiovascular Disease, Montreal Heart Institute
Classification: Likely benign. Last evaluated: 2026-03-27. Review status: criteria provided, single submitter. Criteria: ACMG Guidelines, 2015. Collection method: clinical testing. Allele origin: germline. Affected: no.
Comment: BP7

Labcorp Genetics (formerly Invitae), Labcorp
Classification: Likely benign for Arrhythmogenic right ventricular dysplasia 10. Last evaluated: 2026-01-15. Review status: criteria provided, single submitter. Criteria: Invitae Variant Classification Sherloc (09022015). Collection method: clinical testing. Allele origin: germline.

Blueprint Genetics
Classification: Likely benign. Last evaluated: 2024-10-16. Review status: criteria provided, single submitter. Criteria: ACMG Guidelines, 2015. Collection method: clinical testing. Allele origin: germline.

All of Us Research Program, National Institutes of Health
Classification: Likely benign for Arrhythmogenic right ventricular cardiomyopathy. Last evaluated: 2023-12-18. Review status: criteria provided, single submitter. Criteria: ACMG Guidelines, 2015. Collection method: clinical testing. Allele origin: germline. Inheritance: Autosomal dominant inheritance. Observed: 19 variant alleles, 19 heterozygotes.
Comment: This study involves interpretation of variants in research participants for the purpose of population health screening. Participant phenotype was not available at the time of variant classification. Additional details can be found in publication PMID: 35346344, PMCID: PMC8962531

Ambry Genetics
Classification: Likely benign for Cardiovascular phenotype. Last evaluated: 2021-02-12. Review status: criteria provided, single submitter. Criteria: Ambry Variant Classification Scheme 2023. Collection method: clinical testing. Allele origin: germline.

Color Diagnostics, LLC DBA Color Health
Classification: Likely benign for Cardiomyopathy. Last evaluated: 2018-06-11. Review status: criteria provided, single submitter. Criteria: ACMG Guidelines, 2015. Collection method: clinical testing. Allele origin: germline.

GeneDx
Classification: Likely benign. Last evaluated: 2017-12-04. Review status: criteria provided, single submitter. Criteria: GeneDx Variant Classification (06012015). Collection method: clinical testing. Allele origin: germline. Affected: yes.
Comment: This variant is considered likely benign or benign based on one or more of the following criteria: it is a conservative change, it occurs at a poorly conserved position in the protein, it is predicted to be benign by multiple in silico algorithms, and/or has population frequency not consistent with disease.

CHEO Genetics Diagnostic Laboratory, Children's Hospital of Eastern Ontario
Classification: Uncertain significance for Cardiomyopathy. Last evaluated: 2015-12-08. Review status: criteria provided, single submitter. Criteria: ACMG Guidelines, 2015. Collection method: clinical testing. Allele origin: germline. Study: Canadian Open Genetics Repository.

Clinical Genetics DNA and cytogenetics Diagnostics Lab, Erasmus MC, Erasmus Medical Center
Classification: Likely benign. Review status: no assertion criteria provided. Collection method: clinical testing. Allele origin: germline. Affected: yes. Study: VKGL Data-share Consensus. Not counted in ClinVar's aggregate classification.

Diagnostic Laboratory, Department of Genetics, University Medical Center Groningen
Classification: Likely benign. Review status: no assertion criteria provided. Collection method: clinical testing. Allele origin: germline. Affected: yes. Study: VKGL Data-share Consensus. Not counted in ClinVar's aggregate classification.

Joint Genome Diagnostic Labs from Nijmegen and Maastricht, Radboudumc and MUMC+
Classification: Likely benign. Review status: no assertion criteria provided. Collection method: clinical testing. Allele origin: germline. Affected: yes. Study: VKGL Data-share Consensus. Not counted in ClinVar's aggregate classification.